The following is an entry in ClinVar:

NM_015629.4(PRPF31):c.528-10G>A

Gene: PRPF31 (pre-mRNA processing factor 31; plus strand). Cytogenetic location: 19q13.42.
Variant type: single nucleotide variant.
Coding change: c.528-10G>A on transcript NM_015629.4 (MANE Select); 10 bases into the intron before coding-DNA position 528, G replaced by A.
Molecular consequence: intron variant.
Genome position (GRCh38, 1-based): chr19:54,123,739, G>A. VCF-style: chr19-54123739-G-A. GRCh37 (hg19) VCF-style: chr19-54627118-G-A.
Other names: c.528-10G>A (NM_015629.3).
Identifiers: ClinVar variation 1936386 (VCV001936386.7), dbSNP rs368797093, ClinGen allele CA407750426.
Genomic context (GRCh38, chr19:54,123,739, plus strand): 5'-CGAGAGGGCTGGGGCTGGGCACACCAGGCAGGCGGGAGACCCAGGAGGCTGGGCCCACCC[G>A]CCCCTGCAGGCAGCAGCTGTCGGAGGAGGAGCTGGAGCGGCTGGAGGAGGCCTGCGACAT-3'

ClinVar aggregate classification (germline): Likely benign. Review status: criteria provided, multiple submitters, no conflicts (2 of 4 stars). 3 submissions from 3 submitters: Likely benign (2). 1 of the submissions does not count toward it. Last evaluated 2024-11-21.

Conditions:
PRPF31-related disorder. Also called: PRPF31-related condition.

Allele frequency attached by ClinVar (database versions not stated): TOPMed 0.00002; ESP Exome Variant Server 0.00008.
gnomAD v4.1: 47 of 1,605,628 alleles (0.0029%); highest among the groups gnomAD compares: Middle Eastern, 0.017%; no homozygotes.

Submissions (3):

Blueprint Genetics
Classification: Likely benign. Last evaluated: 2024-11-21. Review status: criteria provided, single submitter. Criteria: ACMG Guidelines, 2015. Collection method: clinical testing. Allele origin: germline.

Labcorp Genetics (formerly Invitae), Labcorp
Classification: Likely benign. Last evaluated: 2022-04-28. Review status: criteria provided, single submitter. Criteria: Invitae Variant Classification Sherloc (09022015). Collection method: clinical testing. Allele origin: germline.

PreventionGenetics, part of Exact Sciences
Classification: Likely benign for PRPF31-related condition. Last evaluated: 2020-03-18. Review status: no assertion criteria provided. Collection method: clinical testing. Allele origin: germline. Not counted in ClinVar's aggregate classification.
Comment: This variant is classified as likely benign based on ACMG/AMP sequence variant interpretation guidelines (Richards et al. 2015 PMID: 25741868, with internal and published modifications).